The following is an entry in ClinVar:

NM_018941.4(CLN8):c.499G>T (p.Glu167Ter)

Gene: CLN8 (CLN8 transmembrane ER and ERGIC protein; plus strand). Cytogenetic location: 8p23.3.
Variant type: single nucleotide variant.
Coding change: c.499G>T on transcript NM_018941.4 (MANE Select); coding-DNA position 499, G replaced by T.
Protein change: p.Glu167Ter; replaces glutamic acid 167 with a stop codon.
Molecular consequence: nonsense.
Genome position (GRCh38, 1-based): chr8:1,771,553, G>T. VCF-style: chr8-1771553-G-T. GRCh37 (hg19) VCF-style: chr8-1719719-G-T.
Other names: p.E167*:GAG>TAG; short protein forms E167*.
Identifiers: ClinVar variation 205194 (VCV000205194.30), dbSNP rs144495588, ClinGen allele CA314014.

ClinVar aggregate classification (germline): Pathogenic/Likely pathogenic. Review status: criteria provided, multiple submitters, no conflicts (2 of 4 stars). 9 submissions from 9 submitters: Pathogenic (4); Likely pathogenic (4). 1 of the submissions does not count toward it. Last evaluated 2025-12-22.

Conditions:
CLN8-related disorder. Also called: CLN8-related condition.
Inborn genetic diseases. Identifiers: MedGen C0950123, MeSH D030342.
Neuronal ceroid lipofuscinosis 8 northern epilepsy variant. Also called: EPILEPSY, PROGRESSIVE, WITH MENTAL RETARDATION; NORTHERN EPILEPSY. Identifiers: Orphanet 1947, MedGen C1864923, MONDO:0012391, OMIM 610003.
Neuronal ceroid lipofuscinosis 8 (CLN8). Also called: CLN8-Related Neuronal Ceroid-Lipofuscinosis. Identifiers: Orphanet 168491, Orphanet 228354, Orphanet 79264, MedGen C1838570, MONDO:0010830, OMIM 600143.
Neuronal ceroid lipofuscinosis. Also called: Neuronal Ceroid Lipofuscinoses. Identifiers: Orphanet 216, Orphanet 79263, MedGen C0027877, MONDO:0016295. Disease mechanism: loss of function.

Allele frequency attached by ClinVar (database versions not stated): gnomAD 0.00004; TOPMed 0.00004; ESP Exome Variant Server 0.00023.
gnomAD v4.1: 67 of 1,613,940 alleles (0.0042%); highest among the groups gnomAD compares: Non-Finnish European, 0.0054%; no homozygotes.

Submissions (9):

Labcorp Genetics (formerly Invitae), Labcorp
Classification: Pathogenic for Neuronal ceroid lipofuscinosis. Last evaluated: 2025-12-22. Review status: criteria provided, single submitter. Criteria: Invitae Variant Classification Sherloc (09022015). Collection method: clinical testing. Allele origin: germline.
Comment: This sequence change creates a premature translational stop signal (p.Glu167*) in the CLN8 gene. While this is not anticipated to result in nonsense mediated decay, it is expected to disrupt the last 120 amino acid(s) of the CLN8 protein. This variant is present in population databases (rs144495588, gnomAD 0.003%). This premature translational stop signal has been observed in individual(s) with neuronal ceroid lipofuscinosis (PMID: 26075876). ClinVar contains an entry for this variant (Variation ID: 205194). This variant disrupts a region of the CLN8 protein in which other variant(s) (p.Leu188Valfs*58) have been determined to be pathogenic (PMID: 22220808; internal data). This suggests that this is a clinically significant region of the protein, and that variants that disrupt it are likely to be disease-causing. For these reasons, this variant has been classified as Pathogenic.

Fulgent Genetics
Classification: Likely pathogenic for Neuronal ceroid lipofuscinosis 8; Neuronal ceroid lipofuscinosis 8 northern epilepsy variant. Last evaluated: 2024-04-19. Review status: criteria provided, single submitter. Criteria: ACMG Guidelines, 2015. Collection method: clinical testing. Allele origin: germline.

Women's Health and Genetics/Laboratory Corporation of America, LabCorp
Classification: Pathogenic for Neuronal ceroid lipofuscinosis. Last evaluated: 2024-03-12. Review status: criteria provided, single submitter. Criteria: LabCorp Variant Classification Summary - May 2015. Collection method: clinical testing. Allele origin: germline.
Comment: Variant summary: CLN8 c.499G>T (p.Glu167X) results in a premature termination codon, predicted to cause a truncation of the encoded protein. Variants downstream of this position have been classified as pathogenic by our laboratory (example, p.Arg204Cys, p.Gly237Arg). The variant allele was found at a frequency of 1.2e-05 in 251342 control chromosomes. c.499G>T has been reported in the literature in at-least one individual affected with Neuronal Ceroid-Lipofuscinosis (example, Di Fruscio_2015). To our knowledge, no experimental evidence demonstrating an impact on protein function has been reported. The following publication have been ascertained in the context of this evaluation (PMID: 26075876). ClinVar contains an entry for this variant (Variation ID: 205194). Based on the evidence outlined above, the variant was classified as pathogenic.

Blueprint Genetics
Classification: Likely pathogenic for CLN8-related disorders. Last evaluated: 2024-02-28. Review status: criteria provided, single submitter. Criteria: ACMG Guidelines, 2015. Collection method: clinical testing. Allele origin: germline. Affected: yes. Observed: 3 variant alleles.

GeneDx
Classification: Likely pathogenic. Last evaluated: 2023-08-16. Review status: criteria provided, single submitter. Criteria: GeneDx Variant Classification Process June 2021. Collection method: clinical testing. Allele origin: germline. Affected: yes.
Comment: Nonsense variant in the C-terminus predicted to result in protein truncation, as the last 120 amino acids are lost, and other loss-of-function variants have been reported downstream in the Human Gene Mutation Database (HGMD); Not observed at significant frequency in large population cohorts (gnomAD); This variant is associated with the following publications: (PMID: 29655203, 31440721, 24077912, 26075876)

Greenwood Genetic Center Diagnostic Laboratories, Greenwood Genetic Center
Classification: Likely pathogenic for Neuronal ceroid lipofuscinosis 8. Last evaluated: 2022-10-07. Review status: criteria provided, single submitter. Criteria: ACMG Guidelines, 2015. Collection method: clinical testing. Allele origin: germline. Affected: yes.
Comment: PVS1, PM2

Ambry Genetics
Classification: Pathogenic for Inborn genetic diseases. Last evaluated: 2018-01-31. Review status: criteria provided, single submitter. Criteria: Ambry Variant Classification Scheme 2023. Collection method: clinical testing. Allele origin: germline.
Comment: The p.E167* pathogenic mutation (also known as c.499G>T), located in coding exon 1 of the CLN8 gene, results from a G to T substitution at nucleotide position 499. This changes the amino acid from a glutamic acid to a stop codon within coding exon 1. This alteration was identified in the heterozygous state in an individual with a clinical diagnosis of neuronal lipofuscinosis (NCL) type 8, in addition, there was another suspected disease-causing alteration found in the individual as well (Di Fruscio G et al. Autophagy, 2015;11:928-38). This alteration is expected to result in loss of function by premature protein truncation or nonsense-mediated mRNA decay. As such, this alteration is interpreted as a disease-causing mutation.

Genetic Services Laboratory, University of Chicago
Classification: Pathogenic for Neuronal ceroid lipofuscinosis. Last evaluated: 2016-07-26. Review status: criteria provided, single submitter. Criteria: ACMG Guidelines, 2015. Collection method: clinical testing. Allele origin: germline. Affected: yes.

Counsyl
Classification: Likely pathogenic for Neuronal ceroid lipofuscinosis 8. Last evaluated: 2017-02-14. Review status: no assertion criteria provided. Collection method: clinical testing. Allele origin: unknown. Not counted in ClinVar's aggregate classification.

Literature cited by the submitters: PubMed 26075876 (cited by 4 submitters); PubMed 22220808 (cited by Labcorp Genetics (formerly Invitae), Labcorp); PubMed 10861296 (cited by Counsyl).